The following is an entry in ClinVar:

NM_001276345.2(TNNT2):c.351_352insAACAG (p.Ala118fs)

Gene: TNNT2 (troponin T2, cardiac type; minus strand). Cytogenetic location: 1q32.1.
Variant type: Insertion.
Coding change: c.351_352insAACAG on transcript NM_001276345.2 (MANE Select); coding-DNA positions 351 to 352, AACAG inserted.
Protein change: p.Ala118fs; shifts the reading frame from alanine 118.
Molecular consequence: frameshift variant. On other transcripts: intron variant (1).
Genome position: GRCh38 VCF-style: chr1-201365250-C-CCTGTT. GRCh37 (hg19) VCF-style: chr1-201334378-C-CCTGTT.
Other names: c.321_322insAACAG, p.Ala108fs (NM_001406724.1, NM_001406726.1, NM_001406727.1 and 3 more transcripts); c.318_319insAACAG, p.Ala107fs (NM_001406725.1); c.306_307insAACAG, p.Ala103fs (NM_001406728.1, NM_001001432.3); c.291+359_291+360insAGAAC (NM_001276346.2); c.351_352insAACAG, p.Ala118fs (NM_000364.4, NM_001406723.1); short protein forms A103fs, A107fs, A108fs, A118fs.
Identifiers: ClinVar variation 4865785 (VCV004865785.1).

ClinVar aggregate classification (germline): Uncertain significance (1 of 4 stars; one submission).

Conditions:
Cardiovascular phenotype. Identifiers: MedGen CN230736.

Submission:

Ambry Genetics
Classification: Uncertain significance for Cardiovascular phenotype. Last evaluated: 2026-06-08. Review status: criteria provided, single submitter. Criteria: Ambry Variant Classification Scheme 2023. Collection method: clinical testing. Allele origin: germline.
Comment: The c.321_322insAACAG variant, located in coding exon 8 of the TNNT2 gene, results from an insertion of 5 nucleotides at position 321, causing a translational frameshift with a predicted alternate stop codon (p.A108Nfs*76). This variant is expected to result in protein truncation or nonsense-mediated mRNA decay. However, loss of function has not been established as a mechanism of disease. Based on the available evidence, the clinical significance of this variant remains unclear.